The following is an entry in ClinVar:

ClinVar aggregate classification (germline): Uncertain significance. Review status: criteria provided, multiple submitters, no conflicts (2 of 4 stars). 4 submissions from 4 submitters: Uncertain significance (4). Last evaluated 2025-11-24.

Conditions:
Breast and/or ovarian cancer. Identifiers: MedGen CN221562.
Hereditary cancer-predisposing syndrome. Also called: Tumor predisposition; Neoplastic Syndromes, Hereditary; Hereditary Cancer Syndrome; Hereditary neoplastic syndrome. Identifiers: Orphanet 140162, MedGen C0027672, MeSH D009386, MONDO:0015356.
Ataxia-telangiectasia syndrome (AT). Also called: Cerebello-oculocutaneous telangiectasia; Immunodeficiency with ataxia telangiectasia; ATAXIA-TELANGIECTASIA, COMPLEMENTATION GROUP A; Ataxia-telangiectasia, complementation group D; AT, COMPLEMENTATION GROUP C; ATAXIA-TELANGIECTASIA, FRESNO VARIANT. Identifiers: Orphanet 100, MedGen C0004135, MONDO:0008840, OMIM 208900.

Submissions (4):

Labcorp Genetics (formerly Invitae), Labcorp
Classification: Uncertain significance for Ataxia-telangiectasia syndrome. Last evaluated: 2025-11-24. Review status: criteria provided, single submitter. Criteria: Invitae Variant Classification Sherloc (09022015). Collection method: clinical testing. Allele origin: germline.
Comment: This sequence change replaces asparagine, which is neutral and polar, with lysine, which is basic and polar, at codon 133 of the ATM protein (p.Asn133Lys). This variant is not present in population databases (gnomAD no frequency). This variant has not been reported in the literature in individuals affected with ATM-related conditions. ClinVar contains an entry for this variant (Variation ID: 479086). Invitae Evidence Modeling of protein sequence and biophysical properties (such as structural, functional, and spatial information, amino acid conservation, physicochemical variation, residue mobility, and thermodynamic stability) indicates that this missense variant is not expected to disrupt ATM protein function with a negative predictive value of 95%. In summary, the available evidence is currently insufficient to determine the role of this variant in disease. Therefore, it has been classified as a Variant of Uncertain Significance.

Ambry Genetics
Classification: Uncertain significance for Hereditary cancer-predisposing syndrome. Last evaluated: 2024-03-06. Review status: criteria provided, single submitter. Criteria: Ambry Variant Classification Scheme 2023. Collection method: clinical testing. Allele origin: germline.
Comment: The p.N133K variant (also known as c.399T>A), located in coding exon 4 of the ATM gene, results from a T to A substitution at nucleotide position 399. The asparagine at codon 133 is replaced by lysine, an amino acid with similar properties. This amino acid position is poorly conserved in available vertebrate species. In addition, this alteration is predicted to be tolerated by in silico analysis. Since supporting evidence is limited at this time, the clinical significance of this alteration remains unclear.

CHEO Genetics Diagnostic Laboratory, Children's Hospital of Eastern Ontario
Classification: Uncertain significance for Breast and/or ovarian cancer. Last evaluated: 2022-08-11. Review status: criteria provided, single submitter. Criteria: ACMG Guidelines, 2015. Collection method: clinical testing. Allele origin: germline.

GeneDx
Classification: Uncertain significance. Last evaluated: 2019-08-06. Review status: criteria provided, single submitter. Criteria: GeneDx Variant Classification Process June 2021. Collection method: clinical testing. Allele origin: germline. Affected: yes.
Comment: Not observed in large population cohorts (Lek et al., 2016); In silico analysis, which includes protein predictors and evolutionary conservation, supports that this variant does not alter protein structure/function; Has not been previously published as pathogenic or benign to our knowledge

NM_000051.4(ATM):c.399T>A (p.Asn133Lys)

Gene: ATM (ATM serine/threonine kinase; plus strand). Cytogenetic location: 11q22.3.
Variant type: single nucleotide variant.
Coding change: c.399T>A on transcript NM_000051.4 (MANE Select); coding-DNA position 399, T replaced by A.
Protein change: p.Asn133Lys; replaces asparagine 133 with lysine.
Molecular consequence: missense variant.
Genome position (GRCh38, 1-based): chr11:108,235,737, T>A. VCF-style: chr11-108235737-T-A. GRCh37 (hg19) VCF-style: chr11-108106464-T-A.
Other names: c.399T>A, p.Asn133Lys (NM_001351834.2); short protein forms N133K.
Identifiers: ClinVar variation 479086 (VCV000479086.16), dbSNP rs1555059218, ClinGen allele CA382524952.
Genomic context (GRCh38, chr11:108,235,737, plus strand): 5'-TAGGCTAAAATGTCAAGAACTCTTAAATTATATCATGGATACAGTGAAAGATTCATCTAA[T>A]GGTGCTATTTACGGAGCTGATTGTAGCAACATACTACTCAAAGACATTCTTTCTGTGAGA-3'
Protein context (NP_000042.3, residues 123-143): YIMDTVKDSS[Asn133Lys]GAIYGADCSN